The following is an entry in ClinVar:

ClinVar aggregate classification (germline): Pathogenic/Likely pathogenic. Review status: criteria provided, multiple submitters, no conflicts (2 of 4 stars). 10 submissions from 10 submitters: Pathogenic (9); Likely pathogenic (1). Last evaluated 2026-05-03.

Conditions:
Autosomal recessive polycystic kidney disease (ARPKD). Also called: AR polycystic kidney disease. Identifiers: Orphanet 731, Orphanet 8378, MedGen C0085548, MeSH D017044, MONDO:0009889.
PKHD1-related disorder. Also called: PKHD1-related condition.
Polycystic kidney disease 4 (PKD4). Also called: POLYCYSTIC KIDNEY DISEASE 4 WITH OR WITHOUT POLYCYSTIC LIVER DISEASE; Autosomal Recessive Polycystic Kidney Disease – PKHD1; PKD3; POLYCYSTIC KIDNEY AND HEPATIC DISEASE 1; POLYCYSTIC KIDNEY DISEASE, INFANTILE, TYPE I. Identifiers: MedGen C4540575, MONDO:0033004, OMIM 263200.

Allele frequency attached by ClinVar (database versions not stated): TOPMed 0.00003.
gnomAD v4.1: 14 of 1,613,858 alleles (0.00087%); highest among the groups gnomAD compares: Admixed American, 0.005%; no homozygotes.

Submissions (10):

PreventionGenetics, part of Exact Sciences
Classification: Pathogenic for PKHD1-related condition. Last evaluated: 2026-05-03. Review status: criteria provided, single submitter. Criteria: ACMG Guidelines, 2015. Collection method: clinical testing. Allele origin: germline.
Comment: The PKHD1 c.9719G>A variant is predicted to result in the amino acid substitution p.Arg3240Gln. This variant has been repeatedly reported in the compound heterozygous state in individuals with autosomal recessive polycystic kidney disease (ARPKD) (see for example, Bergmann et al. 2005. PubMed ID: 15698423; Supplementary Table 2, Seo et al. 2020. PubMed ID: 32901917; Obeidova et al. 2020. PubMed ID: 32574212; Jung et al. 2020. PubMed ID: 32384486). This variant is reported in 0.0029% of alleles in individuals of Latino descent in gnomAD. This variant is classified as pathogenic or likely pathogenic by different laboratories in ClinVar (Variant ID: 572902). This variant is interpreted as pathogenic.

OLLIN Analises Genomicas, OLLIN
Classification: Pathogenic for Polycystic kidney disease 4. Last evaluated: 2026-02-13. Review status: criteria provided, single submitter. Criteria: ACMG Guidelines 2015 PMID 25741868. Collection method: clinical testing. Allele origin: germline. Observed: 2 variant alleles.
Comment: PS4_P, PM2_P, PM3_VS, PP1, PP3

Labcorp Genetics (formerly Invitae), Labcorp
Classification: Pathogenic for Autosomal recessive polycystic kidney disease. Last evaluated: 2026-01-26. Review status: criteria provided, single submitter. Criteria: Invitae Variant Classification Sherloc (09022015). Collection method: clinical testing. Allele origin: germline.
Comment: This sequence change replaces arginine, which is basic and polar, with glutamine, which is neutral and polar, at codon 3240 of the PKHD1 protein (p.Arg3240Gln). This variant is present in population databases (no rsID available, gnomAD 0.003%). This missense change has been observed in individual(s) with autosomal recessive polycystic kidney disease (PMID: 15698423, 19914852, 20413436, 24162162). In at least one individual the data is consistent with being in trans (on the opposite chromosome) from a pathogenic variant. It has also been observed to segregate with disease in related individuals. ClinVar contains an entry for this variant (Variation ID: 572902). Invitae Evidence Modeling of protein sequence and biophysical properties (such as structural, functional, and spatial information, amino acid conservation, physicochemical variation, residue mobility, and thermodynamic stability) indicates that this missense variant is expected to disrupt PKHD1 protein function with a positive predictive value of 95%. This variant disrupts the p.Arg3240 amino acid residue in PKHD1. Other variant(s) that disrupt this residue have been determined to be pathogenic (PMID: 15805161). This suggests that this residue is clinically significant, and that variants that disrupt this residue are likely to be disease-causing. For these reasons, this variant has been classified as Pathogenic.

Natera, Inc.
Classification: Pathogenic for Autosomal recessive polycystic kidney disease. Last evaluated: 2025-12-31. Review status: criteria provided, single submitter. Criteria: Natera Variant Classification Schema (03/2026). Collection method: clinical testing. Allele origin: germline.
Comment: The c.9719G>A variant in PKHD1 is a missense variant predicted to cause substitution of arginine to glutamine at amino acid 3240. This variant is rare in the general population with a frequency below the threshold expected for the associated phenotype(s). This variant has been observed in one or more individuals affected with the associated recessive disease, as either homozygous or compound heterozygous with a second variant (PMID: 19940839, 32384486). Computational prediction algorithms indicate this variant is likely to affect gene or protein function. Given the available evidence, this variant is classified as Pathogenic.

Dasa
Classification: Pathogenic. Last evaluated: 2025-09-29. Review status: criteria provided, single submitter. Criteria: DASA Assertion Criteria. Collection method: clinical testing. Allele origin: germline.
Comment: NM_138694.4(PKHD1):c.9719G>A (p.Arg3240Gln) is a missense variant that results in the substitution of arginine with glutamine. The affected residue or protein region has prior evidence supporting clinical relevance. Segregation evidence has been reported in affected families. This variant has been observed in affected individuals with related phenotype in a genotype context consistent with recessive disease (PMID: 15698423; PMID: 19914852; PMID: 20413436; PMID: 24162162; PMID: 15805161). This variant has been recurrently observed in individuals with related phenotype (PMID: 15698423; PMID: 19914852; PMID: 20413436; PMID: 24162162; PMID: 15805161). Multiple computational predictions support a deleterious effect on the gene or gene product. The variant is present at low frequency in population datasets. Based on the available data, this variant is classified as pathogenic.

Fulgent Genetics
Classification: Pathogenic for Polycystic kidney disease 4. Last evaluated: 2024-05-09. Review status: criteria provided, single submitter. Criteria: ACMG Guidelines, 2015. Collection method: clinical testing. Allele origin: germline.

Blueprint Genetics
Classification: Pathogenic for PKHD1-related disorders. Last evaluated: 2023-08-30. Review status: criteria provided, single submitter. Criteria: ACMG Guidelines, 2015. Collection method: clinical testing. Allele origin: germline. Affected: yes. Observed: 1 variant allele.

Laboratorio de Genetica e Diagnostico Molecular, Hospital Israelita Albert Einstein
Classification: Pathogenic for Polycystic kidney disease 4. Last evaluated: 2022-07-22. Review status: criteria provided, single submitter. Criteria: ACMG Guidelines, 2015. Collection method: clinical testing. Allele origin: germline. Affected: yes. Observed: 1 variant allele.
Comment: ACMG classification criteria: PS4 moderated, PM2 moderated, PM3 strong, PP1 moderated

Mendelics
Classification: Pathogenic for Polycystic kidney disease 4. Last evaluated: 2019-05-28. Review status: criteria provided, single submitter. Criteria: Mendelics Assertion Criteria 2017. Collection method: clinical testing. Allele origin: unknown.

Lifecell International Pvt. Ltd
Classification: Likely pathogenic for Polycystic kidney disease 4. Review status: criteria provided, single submitter. Criteria: ACMG Guidelines, 2015. Collection method: clinical testing. Allele origin: germline. Inheritance: Autosomal recessive inheritance. Affected: yes. Observed: 1 compound heterozygote.
Comment: A Heterozygous Missense variant c.9719G>A in Exon 58 of the PKHD1 gene that results in the amino acid substitution p.Arg3240Gln was identified. The observed variant is novel in gnomAD exomes and genomes, respectively. The severity of the impact of this variant on the protein is high, based on the effect of the protein and REVEL score. Rare Exome Variant Ensemble Learner (REVEL) is an ensembl method for predicting the pathogenicity of missense variants based on a combination of scores from 13 individual tools: MutPred, FATHMM v2.3, VEST 3.0, PolyPhen-2, SIFT, PROVEAN, MutationAssessor, MutationTaster, LRT, GERP++, SiPhy, phyloP, and phastCons. The REVEL score for an individual missense variant can range from 0 to 1, with higher scores reflecting greater likelihood that the variant is disease-causing. ClinVar has also classified this variant as Pathogenic/Likely Pathogenic [Variation ID: 572902]. The observed variation has been observed in individual(s) with autosomal recessive polycystic kidney disease (Losekoot M, et.al., 2005). For these reasons, this variant has been classified as Likely Pathogenic.

Literature cited by the submitters: PubMed 15698423 (cited by Labcorp Genetics (formerly Invitae), Labcorp and Dasa); PubMed 19914852 (cited by Labcorp Genetics (formerly Invitae), Labcorp and Dasa); PubMed 20413436 (cited by Labcorp Genetics (formerly Invitae), Labcorp and Dasa); PubMed 24162162 (cited by Labcorp Genetics (formerly Invitae), Labcorp and Dasa); PubMed 15805161 (cited by Labcorp Genetics (formerly Invitae), Labcorp and Dasa); PubMed 19940839 (cited by Natera, Inc.); PubMed 32384486 (cited by Natera, Inc.); PubMed 16133180 (cited by Lifecell International Pvt. Ltd).

NM_138694.4(PKHD1):c.9719G>A (p.Arg3240Gln)

Gene: PKHD1 (PKHD1 ciliary IPT domain containing fibrocystin/polyductin; minus strand). Cytogenetic location: 6p12.3.
Variant type: single nucleotide variant.
Coding change: c.9719G>A on transcript NM_138694.4 (MANE Select); coding-DNA position 9719, G replaced by A.
Protein change: p.Arg3240Gln; replaces arginine 3240 with glutamine.
Molecular consequence: missense variant.
Genome position (GRCh38, 1-based): chr6:51,747,897, C>T on the plus strand (G>A on the coding strand, the complement: PKHD1 is on the minus strand). VCF-style: chr6-51747897-C-T. GRCh37 (hg19) VCF-style: chr6-51612695-C-T.
Other names: c.9719G>A, p.Arg3240Gln (NM_170724.3); short protein forms R3240Q.
Identifiers: ClinVar variation 572902 (VCV000572902.31), dbSNP rs146649803, ClinGen allele CA138895870.